The following is an entry in ClinVar:

ClinVar aggregate classification (germline): Conflicting classifications of pathogenicity. Review status: criteria provided, conflicting classifications (1 of 4 stars). 5 submissions from 5 submitters: Uncertain significance (4); Likely benign (1). Last evaluated 2024-04-09.

Conditions:
Breast-ovarian cancer, familial, susceptibility to, 2 (BROVCA2). Also called: BRCA2 Hereditary Breast and Ovarian Cancer. Identifiers: Orphanet 145, MedGen C2675520, MONDO:0012933, OMIM 612555. Disease mechanism: loss of function.
Hereditary breast ovarian cancer syndrome. Also called: Hereditary breast and ovarian cancer syndrome; Hereditary breast and ovarian cancer syndrome (HBOC); BRCA1- and BRCA2-Associated Hereditary Breast and Ovarian Cancer; Hereditary breast and ovarian cancer; Breast and ovarian cancer; Hereditary breast and/or ovarian cancer syndrome. Identifiers: Orphanet 145, MedGen C0677776, MeSH D061325, MONDO:0003582. Disease mechanism: loss of function.
Hereditary cancer-predisposing syndrome. Also called: Neoplastic Syndromes, Hereditary; Hereditary neoplastic syndrome; Tumor predisposition; Hereditary Cancer Syndrome. Identifiers: Orphanet 140162, MedGen C0027672, MeSH D009386, MONDO:0015356.

Allele frequency attached by ClinVar (database versions not stated): gnomAD exomes below 0.00001.
gnomAD v4.1: 1 of 1,613,896 alleles (0.000062%); highest among the groups gnomAD compares: Non-Finnish European, 0.000085%; no homozygotes.

Submissions (5):

Labcorp Genetics (formerly Invitae), Labcorp
Classification: Uncertain significance for Hereditary breast ovarian cancer syndrome. Last evaluated: 2024-04-09. Review status: criteria provided, single submitter. Criteria: Invitae Variant Classification Sherloc (09022015). Collection method: clinical testing. Allele origin: germline.
Comment: This sequence change replaces glutamic acid, which is acidic and polar, with alanine, which is neutral and non-polar, at codon 1811 of the BRCA2 protein (p.Glu1811Ala). This variant is not present in population databases (gnomAD no frequency). This variant has not been reported in the literature in individuals affected with BRCA2-related conditions. ClinVar contains an entry for this variant (Variation ID: 531340). Advanced modeling of protein sequence and biophysical properties (such as structural, functional, and spatial information, amino acid conservation, physicochemical variation, residue mobility, and thermodynamic stability) performed at Invitae indicates that this missense variant is not expected to disrupt BRCA2 protein function with a negative predictive value of 95%. In summary, the available evidence is currently insufficient to determine the role of this variant in disease. Therefore, it has been classified as a Variant of Uncertain Significance.

All of Us Research Program, National Institutes of Health
Classification: Uncertain significance for Breast-ovarian cancer, familial, susceptibility to, 2. Last evaluated: 2023-04-03. Review status: criteria provided, single submitter. Criteria: ACMG Guidelines, 2015. Collection method: clinical testing. Allele origin: germline. Inheritance: Autosomal dominant inheritance. Observed: 1 variant allele, 1 heterozygote.
Comment: This missense variant replaces glutamic acid with alanine at codon 1811 of the BRCA2 protein. Computational prediction suggests that this variant may not impact protein structure and function (internally defined REVEL score threshold <= 0.5, PMID: 27666373). To our knowledge, functional studies have not been reported for this variant. This variant has not been reported in individuals affected with BRCA2-related disorders in the literature. This variant has not been identified in the general population by the Genome Aggregation Database (gnomAD). The available evidence is insufficient to determine the role of this variant in disease conclusively. Therefore, this variant is classified as a Variant of Uncertain Significance.

This study involves interpretation of variants in research participants for the purpose of population health screening. Participant phenotype was not available at the time of variant classification. Additional details can be found in publication PMID: 35346344, PMCID: PMC8962531

University of Washington Department of Laboratory Medicine, University of Washington
Classification: Likely benign for Hereditary cancer-predisposing syndrome. Last evaluated: 2023-03-23. Review status: criteria provided, single submitter. Criteria: Dines et al. (Genet Med. 2020). Collection method: curation. Allele origin: germline.
Comment: Missense variant in a coldspot region where missense variants are very unlikely to be pathogenic (PMID:31911673).

BRCA2 exon 11 coldspot. Reclassification based on statistical prior probability.

Ambry Genetics
Classification: Uncertain significance for Hereditary cancer-predisposing syndrome. Last evaluated: 2023-03-06. Review status: criteria provided, single submitter. Criteria: Ambry Variant Classification Scheme 2023. Collection method: clinical testing. Allele origin: germline.
Comment: The p.E1811A variant (also known as c.5432A>C), located in coding exon 10 of the BRCA2 gene, results from an A to C substitution at nucleotide position 5432. The glutamic acid at codon 1811 is replaced by alanine, an amino acid with dissimilar properties. This amino acid position is conserved. In addition, this alteration is predicted to be tolerated by in silico analysis. Since supporting evidence is limited at this time, the clinical significance of this alteration remains unclear.

Color Diagnostics, LLC DBA Color Health
Classification: Uncertain significance for Hereditary cancer-predisposing syndrome. Last evaluated: 2023-03-02. Review status: criteria provided, single submitter. Criteria: ACMG Guidelines, 2015. Collection method: clinical testing. Allele origin: germline.
Comment: This missense variant replaces glutamic acid with alanine at codon 1811 of the BRCA2 protein. Computational prediction suggests that this variant may not impact protein structure and function (internally defined REVEL score threshold <= 0.5, PMID: 27666373). To our knowledge, functional studies have not been reported for this variant. This variant has not been reported in individuals affected with BRCA2-related disorders in the literature. This variant has not been identified in the general population by the Genome Aggregation Database (gnomAD). The available evidence is insufficient to determine the role of this variant in disease conclusively. Therefore, this variant is classified as a Variant of Uncertain Significance.

NM_000059.4(BRCA2):c.5432A>C (p.Glu1811Ala)

Gene: BRCA2 (BRCA2 DNA repair associated; plus strand). Cytogenetic location: 13q13.1.
Variant type: single nucleotide variant.
Coding change: c.5432A>C on transcript NM_000059.4 (MANE Select); coding-DNA position 5432, A replaced by C.
Protein change: p.Glu1811Ala; replaces glutamic acid 1811 with alanine.
Molecular consequence: missense variant.
Genome position (GRCh38, 1-based): chr13:32,339,787, A>C. VCF-style: chr13-32339787-A-C. GRCh37 (hg19) VCF-style: chr13-32913924-A-C.
Other names: short protein forms E1811A.
Identifiers: ClinVar variation 531340 (VCV000531340.18), dbSNP rs1555284221, ClinGen allele CA387785483.